The following is an entry in ClinVar:

NM_004453.4(ETFDH):c.121C>T (p.Arg41Ter)

Gene: ETFDH (electron transfer flavoprotein dehydrogenase; plus strand). Cytogenetic location: 4q32.1.
Variant type: single nucleotide variant.
Coding change: c.121C>T on transcript NM_004453.4 (MANE Select); coding-DNA position 121, C replaced by T.
Protein change: p.Arg41Ter; replaces arginine 41 with a stop codon.
Molecular consequence: nonsense. On other transcripts: intron variant (1).
Genome position (GRCh38, 1-based): chr4:158,680,553, C>T. VCF-style: chr4-158680553-C-T. GRCh37 (hg19) VCF-style: chr4-159601705-C-T.
Other names: c.35-1642C>T (NM_001281737.2); short protein forms R41*.
Identifiers: ClinVar variation 577047 (VCV000577047.38), dbSNP rs773668457, ClinGen allele CA3122278.
Genomic context (GRCh38, chr4:158,680,553, plus strand): 5'-ATTAAGAAAAATTATCTACCTCTATGTGCTACAAGATGGTCTTCAACTTCTACTGTGCCT[C>T]GAATTACTACCCATTATACTATTTATCCCCGGGATAAGGACAAGAGATGGGAAGGTAAGT-3'

ClinVar aggregate classification (germline): Pathogenic. Review status: criteria provided, multiple submitters, no conflicts (2 of 4 stars). 7 submissions from 7 submitters: Pathogenic (5). 2 of the submissions do not count toward it. Last evaluated 2026-01-17.

Conditions:
Abnormality of metabolism/homeostasis. Identifiers: MedGen C4021768, HP:0001939.
ETFDH-related disorder. Also called: ETFDH-related condition.
Multiple acyl-CoA dehydrogenase deficiency (MADD). Also called: ETHYLMALONIC-ADIPICACIDURIA; GA II; Glutaric aciduria, type 2; Glutaric Acidemia type 2; Glutaric acidemia type II; GA 2. Identifiers: Orphanet 26791, MedGen C0268596, MONDO:0009282, OMIM 231680.

Allele frequency attached by ClinVar (database versions not stated): gnomAD 0.00001; gnomAD exomes 0.00001 and below 0.00001; TOPMed 0.00001; ExAC 0.00001.
gnomAD v4.1: 14 of 1,607,216 alleles (0.00087%); highest among the groups gnomAD compares: Non-Finnish European, 0.0011%; no homozygotes.

Submissions (7):

Labcorp Genetics (formerly Invitae), Labcorp
Classification: Pathogenic for Multiple acyl-CoA dehydrogenase deficiency. Last evaluated: 2026-01-17. Review status: criteria provided, single submitter. Criteria: Invitae Variant Classification Sherloc (09022015). Collection method: clinical testing. Allele origin: germline.
Comment: This sequence change creates a premature translational stop signal (p.Arg41*) in the ETFDH gene. It is expected to result in an absent or disrupted protein product. Loss-of-function variants in ETFDH are known to be pathogenic (PMID: 16510302, 23785301). This variant is not present in population databases (gnomAD no frequency). This premature translational stop signal has been observed in individuals with glutaric acidemia type II (PMID: 12359134, 24190796). ClinVar contains an entry for this variant (Variation ID: 577047). Algorithms developed to predict the effect of sequence changes on RNA splicing suggest that this variant may disrupt the consensus splice site. For these reasons, this variant has been classified as Pathogenic.

Blueprint Genetics
Classification: Pathogenic for ETFDH-related disorders. Last evaluated: 2024-10-22. Review status: criteria provided, single submitter. Criteria: ACMG Guidelines, 2015. Collection method: clinical testing. Allele origin: germline. Affected: yes. Observed: 3 variant alleles.

Baylor Genetics
Classification: Pathogenic for Multiple acyl-CoA dehydrogenase deficiency. Last evaluated: 2024-03-19. Review status: criteria provided, single submitter. Criteria: ACMG Guidelines, 2015. Collection method: clinical testing. Allele origin: unknown.

Women's Health and Genetics/Laboratory Corporation of America, LabCorp
Classification: Pathogenic for Multiple acyl-CoA dehydrogenase deficiency. Last evaluated: 2023-09-22. Review status: criteria provided, single submitter. Criteria: LabCorp Variant Classification Summary - May 2015. Collection method: clinical testing. Allele origin: germline.
Comment: Variant summary: ETFDH c.121C>T (p.Arg41X) results in a premature termination codon, predicted to cause a truncation of the encoded protein or absence of the protein due to nonsense mediated decay, which are commonly known mechanisms for disease. The variant allele was found at a frequency of 4e-06 in 251316 control chromosomes. c.121C>T has been reported in the literature in individuals affected with Glutaric Aciduria (e.g. Goodman_2002). To our knowledge, no experimental evidence demonstrating an impact on protein function has been reported. The following publication have been ascertained in the context of this evaluation (PMID: 12359134). Three submitters have cited clinical-significance assessments for this variant to ClinVar after 2014. All submitters classified the variant as pathogenic. Based on the evidence outlined above, the variant was classified as pathogenic.

Kariminejad - Najmabadi Pathology & Genetics Center
Classification: Pathogenic for Abnormality of metabolism/homeostasis. Last evaluated: 2021-07-10. Review status: criteria provided, single submitter. Criteria: ACMG Guidelines, 2015. Collection method: clinical testing. Allele origin: germline. Affected: yes.

PreventionGenetics, part of Exact Sciences
Classification: Pathogenic for ETFDH-related condition. Last evaluated: 2024-05-03. Review status: no assertion criteria provided. Collection method: clinical testing. Allele origin: germline. Not counted in ClinVar's aggregate classification.
Comment: The ETFDH c.121C>T variant is predicted to result in premature protein termination (p.Arg41*). This variant has been reported in the compound heterozygous state in at least two individuals with glutaric acidemia type II (Goodman et al. 2002. PubMed ID: 12359134; Sahai et al 2013. PubMed ID: 24190796). This variant is reported in 0.00088% of alleles in individuals of European (Non-Finnish) descent in gnomAD. This variant is interpreted as pathogenic.

Natera, Inc.
Classification: Pathogenic for Glutaric aciduria type 2. Last evaluated: 2020-09-16. Review status: no assertion criteria provided. Collection method: clinical testing. Allele origin: germline. Not counted in ClinVar's aggregate classification.

Literature cited by the submitters: PubMed 16510302 (cited by Labcorp Genetics (formerly Invitae), Labcorp); PubMed 23785301 (cited by Labcorp Genetics (formerly Invitae), Labcorp); PubMed 12359134 (cited by Labcorp Genetics (formerly Invitae), Labcorp and Women's Health and Genetics/Laboratory Corporation of America, LabCorp); PubMed 24190796 (cited by Labcorp Genetics (formerly Invitae), Labcorp).